The following is an entry in ClinVar:

ClinVar aggregate classification (germline): Benign/Likely benign. Review status: criteria provided, multiple submitters, no conflicts (2 of 4 stars). 4 submissions from 2 submitters: Benign (3); Likely benign (1). Last evaluated 2022-08-01.

Conditions:
Metachondromatosis (METCDS). Identifiers: Orphanet 2499, MedGen C0410530, MONDO:0007979, OMIM 156250.
Noonan syndrome 1 (NS1). Also called: FEMALE PSEUDO-TURNER SYNDROME; TURNER PHENOTYPE WITH NORMAL KARYOTYPE; PTPN11-Related Noonan Syndrome. Identifiers: Orphanet 648, MedGen C4551602, MONDO:0008104, OMIM 163950. Disease mechanism: gain of function.
LEOPARD syndrome 1 (LPRD1). Also called: LENTIGINOSIS, CARDIOMYOPATHIC; MULTIPLE LENTIGINES SYNDROME; PTPN11-Related LEOPARD Syndrome. Identifiers: Orphanet 500, MedGen C4551484, MONDO:0100082, OMIM 151100.

Allele frequency attached by ClinVar (database versions not stated): TOPMed 0.00016; gnomAD 0.00033 and 0.00039; 1000 Genomes Project 0.00080; 1000 Genomes Project 30x 0.00094; gnomAD exomes 0.00360.
gnomAD v4.1: 61 of 152,878 alleles (0.04%); highest among the groups gnomAD compares: South Asian, 0.21%; no homozygotes.

Submissions (4):

CeGaT Center for Human Genetics Tuebingen
Classification: Benign. Last evaluated: 2022-08-01. Review status: criteria provided, single submitter. Criteria: CeGaT Center For Human Genetics Tuebingen Variant Classification Criteria Version 2. Collection method: clinical testing. Allele origin: germline. Affected: yes. Observed: 2 variant alleles.
Comment: PTPN11: BS1, BS2

Illumina Laboratory Services, Illumina
Classification: Benign for Metachondromatosis. Last evaluated: 2018-01-12. Review status: criteria provided, single submitter. Criteria: ICSL Variant Classification Criteria 13 December 2019. Collection method: clinical testing. Allele origin: germline.
Comment: This variant was observed in the ICSL laboratory as part of a predisposition screen in an ostensibly healthy population. It had not been previously curated by ICSL or reported in the Human Gene Mutation Database (HGMD: prior to June 1st, 2018), and was therefore a candidate for classification through an automated scoring system. Utilizing variant allele frequency, disease prevalence and penetrance estimates, and inheritance mode, an automated score was calculated to assess if this variant is too frequent to cause the disease. Based on the score and internal cut-off values, a variant classified as benign is not then subjected to further curation. The score for this variant resulted in a classification of benign for this disease.

Illumina Laboratory Services, Illumina
Classification: Likely benign for Noonan syndrome 1. Last evaluated: 2018-01-12. Review status: criteria provided, single submitter. Criteria: ICSL Variant Classification Criteria 13 December 2019. Collection method: clinical testing. Allele origin: germline.
Comment: This variant was observed in the ICSL laboratory as part of a predisposition screen in an ostensibly healthy population. It had not been previously curated by ICSL or reported in the Human Gene Mutation Database (HGMD: prior to June 1st, 2018), and was therefore a candidate for classification through an automated scoring system. Utilizing variant allele frequency, disease prevalence and penetrance estimates, and inheritance mode, an automated score was calculated to assess if this variant is too frequent to cause the disease. Based on the score and internal cut-off values, a variant classified as likely benign is not then subjected to further curation. The score for this variant resulted in a classification of likely benign for this disease.

Illumina Laboratory Services, Illumina
Classification: Benign for LEOPARD syndrome 1. Last evaluated: 2018-01-12. Review status: criteria provided, single submitter. Criteria: ICSL Variant Classification Criteria 13 December 2019. Collection method: clinical testing. Allele origin: germline.
Comment: the same text as in the submission from Illumina Laboratory Services, Illumina above.

NM_002834.5(PTPN11):c.*1805C>T

Gene: PTPN11 (protein tyrosine phosphatase non-receptor type 11; plus strand). Cytogenetic location: 12q24.13.
Variant type: single nucleotide variant.
Coding change: c.*1805C>T on transcript NM_002834.5 (MANE Select); 1805 bases downstream of the stop codon, C replaced by T.
Molecular consequence: 3 prime UTR variant.
Genome position (GRCh38, 1-based): chr12:112,507,597, C>T. VCF-style: chr12-112507597-C-T. GRCh37 (hg19) VCF-style: chr12-112945401-C-T.
Other names: c.*1805C>T (NM_001330437.2, NM_001374625.1).
Identifiers: ClinVar variation 307249 (VCV000307249.29), dbSNP rs188162577, ClinGen allele CA10640977.